The following is an entry in ClinVar:

ClinVar aggregate classification (germline): Uncertain significance (1 of 4 stars; one submission).

Allele frequency attached by ClinVar (database versions not stated): gnomAD exomes below 0.00001; TOPMed 0.00001.
gnomAD v4.1: 1 of 1,612,834 alleles (0.000062%); highest among the groups gnomAD compares: African/African-American, 0.0013%; no homozygotes.

Submission:

Labcorp Genetics (formerly Invitae), Labcorp
Classification: Uncertain significance. Last evaluated: 2020-05-27. Review status: criteria provided, single submitter. Criteria: Invitae Variant Classification Sherloc (09022015). Collection method: clinical testing. Allele origin: germline.
Comment: In summary, the available evidence is currently insufficient to determine the role of this variant in disease. Therefore, it has been classified as a Variant of Uncertain Significance. Algorithms developed to predict the effect of missense changes on protein structure and function (SIFT, PolyPhen-2, Align-GVGD) all suggest that this variant is likely to be disruptive, but these predictions have not been confirmed by published functional studies and their clinical significance is uncertain. This variant has not been reported in the literature in individuals with SLC26A1-related conditions. This variant is not present in population databases (ExAC no frequency). This sequence change replaces proline with leucine at codon 98 of the SLC26A1 protein (p.Pro98Leu). The proline residue is highly conserved and there is a moderate physicochemical difference between proline and leucine.

NM_022042.4(SLC26A1):c.293C>T (p.Pro98Leu)

Genes: IDUA (alpha-L-iduronidase; plus strand), SLC26A1 (solute carrier family 26 member 1; minus strand). Cytogenetic location: 4p16.3.
Variant type: single nucleotide variant.
Coding change: c.293C>T on transcript NM_022042.4 (MANE Select); coding-DNA position 293, C replaced by T.
Protein change: p.Pro98Leu; replaces proline 98 with leucine.
Molecular consequence: missense variant. On other transcripts: intron variant (1).
Genome position (GRCh38, 1-based): chr4:991,411, G>A on the plus strand (C>T on the coding strand, the complement: SLC26A1 is on the minus strand). VCF-style: chr4-991411-G-A. GRCh37 (hg19) VCF-style: chr4-985199-G-A.
Other names: c.293C>T, p.Pro98Leu (NM_134425.4, NM_213613.4); c.299+3462G>A (NM_000203.5); short protein forms P98L.
Identifiers: ClinVar variation 1036107 (VCV001036107.8), dbSNP rs1010906017, ClinGen allele CA91151181.